The following is an entry in ClinVar:

ClinVar aggregate classification (germline): Uncertain significance. Review status: criteria provided, multiple submitters, no conflicts (2 of 4 stars). 2 submissions from 2 submitters: Uncertain significance (2). Last evaluated 2023-11-27.

Conditions:
Succinate-semialdehyde dehydrogenase deficiency (SSADHD). Also called: GABA METABOLIC DEFECT; 4-HYDROXYBUTYRIC ACIDURIA; SSADH DEFICIENCY; Succinic Semialdehyde Dehydrogenase Deficiency. Identifiers: Orphanet 22, MedGen C0268631, MONDO:0010083, OMIM 271980.

Allele frequency attached by ClinVar (database versions not stated): gnomAD 0.00001; gnomAD exomes 0.00002 and 0.00005; ExAC 0.00006.
gnomAD v4.1: 29 of 1,614,030 alleles (0.0018%); highest among the groups gnomAD compares: East Asian, 0.018%; no homozygotes.

Submissions (2):

Labcorp Genetics (formerly Invitae), Labcorp
Classification: Uncertain significance for Succinate-semialdehyde dehydrogenase deficiency. Last evaluated: 2023-11-27. Review status: criteria provided, single submitter. Criteria: Invitae Variant Classification Sherloc (09022015). Collection method: clinical testing. Allele origin: germline.
Comment: This sequence change replaces aspartic acid, which is acidic and polar, with glycine, which is neutral and non-polar, at codon 522 of the ALDH5A1 protein (p.Asp522Gly). This variant is present in population databases (rs777938693, gnomAD 0.03%). This variant has not been reported in the literature in individuals affected with ALDH5A1-related conditions. ClinVar contains an entry for this variant (Variation ID: 1304991). Advanced modeling of protein sequence and biophysical properties (such as structural, functional, and spatial information, amino acid conservation, physicochemical variation, residue mobility, and thermodynamic stability) performed at Invitae indicates that this missense variant is not expected to disrupt ALDH5A1 protein function with a negative predictive value of 80%. Algorithms developed to predict the effect of sequence changes on RNA splicing suggest that this variant may create or strengthen a splice site. In summary, the available evidence is currently insufficient to determine the role of this variant in disease. Therefore, it has been classified as a Variant of Uncertain Significance.

GeneDx
Classification: Uncertain significance. Last evaluated: 2019-04-09. Review status: criteria provided, single submitter. Criteria: GeneDx Variant Classification Process June 2021. Collection method: clinical testing. Allele origin: germline. Affected: yes.
Comment: In silico analysis, which includes protein predictors and evolutionary conservation, supports a deleterious effect; Has not been previously published as pathogenic or benign to our knowledge

NM_001080.3(ALDH5A1):c.1565A>G (p.Asp522Gly)

Gene: ALDH5A1 (aldehyde dehydrogenase 5 family member A1; plus strand). Cytogenetic location: 6p22.3.
Variant type: single nucleotide variant.
Coding change: c.1565A>G on transcript NM_001080.3 (MANE Select); coding-DNA position 1565, A replaced by G.
Protein change: p.Asp522Gly; replaces aspartic acid 522 with glycine.
Molecular consequence: missense variant.
Genome position (GRCh38, 1-based): chr6:24,533,669, A>G. VCF-style: chr6-24533669-A-G. GRCh37 (hg19) VCF-style: chr6-24533897-A-G.
Other names: c.1421A>G, p.Asp474Gly (NM_001368954.1); c.1604A>G, p.Asp535Gly (NM_170740.1); short protein forms D474G, D522G, D535G.
Identifiers: ClinVar variation 1304991 (VCV001304991.7), dbSNP rs777938693, ClinGen allele CA3656972.